The following is an entry in ClinVar:

NM_015450.3(POT1):c.1579del (p.Ser527fs)

Gene: POT1 (protection of telomeres 1; minus strand). Cytogenetic location: 7q31.33.
Variant type: Deletion.
Coding change: c.1579del on transcript NM_015450.3 (MANE Select); coding-DNA position 1579, one base deleted (T; older notation c.1579delT).
Protein change: p.Ser527fs; shifts the reading frame from serine 527.
Molecular consequence: frameshift variant. On other transcripts: non-coding transcript variant (2).
Genome position (GRCh38, 1-based): chr7:124,829,269, A deleted on the plus strand (T on the coding strand, the reverse complement: POT1 is on the minus strand); the first of 2 consecutive A bases (chr7:124,829,269-124,829,270); deleting either gives the same sequence. VCF-style (leftmost placement, unchanged base first): chr7-124829268-GA-G. GRCh37 (hg19) VCF-style: chr7-124469322-GA-G.
Other names: c.1186del, p.Ser396fs (NM_001042594.2); short protein forms S396fs, S527fs.
Identifiers: ClinVar variation 1775638 (VCV001775638.2), dbSNP rs2485352448, ClinGen allele CA2580076439.

ClinVar aggregate classification (germline): Pathogenic (1 of 4 stars; one submission).

Conditions:
Hereditary cancer-predisposing syndrome. Also called: Neoplastic Syndromes, Hereditary; Tumor predisposition; Hereditary Cancer Syndrome; Hereditary neoplastic syndrome. Identifiers: Orphanet 140162, MedGen C0027672, MeSH D009386, MONDO:0015356.

Submission:

Ambry Genetics
Classification: Pathogenic for Hereditary cancer-predisposing syndrome. Last evaluated: 2022-07-27. Review status: criteria provided, single submitter. Criteria: Ambry Variant Classification Scheme 2023. Collection method: clinical testing. Allele origin: germline.
Comment: The c.1579delT pathogenic mutation, located in coding exon 12 of the POT1 gene, results from a deletion of one nucleotide at nucleotide position 1579, causing a translational frameshift with a predicted alternate stop codon (p.S527Lfs*18). This variant is considered to be rare based on population cohorts in the Genome Aggregation Database (gnomAD). This alteration is expected to result in loss of function by premature protein truncation or nonsense-mediated mRNA decay. As such, this alteration is interpreted as a disease-causing mutation.